The following is an entry in ClinVar:

ClinVar aggregate classification (germline): Uncertain significance (1 of 4 stars; one submission).

Allele frequency attached by ClinVar (database versions not stated): gnomAD exomes 0.00001; ExAC 0.00002; gnomAD 0.00004 and 0.00005; TOPMed 0.00004; ESP Exome Variant Server 0.00008; 1000 Genomes Project 30x 0.00016; 1000 Genomes Project 0.00020.
gnomAD v4.1: 10 of 1,600,952 alleles (0.00062%); highest among the groups gnomAD compares: African/African-American, 0.012%; no homozygotes.

Submission:

Labcorp Genetics (formerly Invitae), Labcorp
Classification: Uncertain significance. Last evaluated: 2025-03-04. Review status: criteria provided, single submitter. Criteria: Invitae Variant Classification Sherloc (09022015). Collection method: clinical testing. Allele origin: germline.
Comment: This sequence change replaces glycine, which is neutral and non-polar, with alanine, which is neutral and non-polar, at codon 774 of the CACNA2D4 protein (p.Gly774Ala). This variant is present in population databases (rs373327688, gnomAD 0.02%). This variant has not been reported in the literature in individuals affected with CACNA2D4-related conditions. ClinVar contains an entry for this variant (Variation ID: 1003920). An algorithm developed to predict the effect of missense changes on protein structure and function (PolyPhen-2) suggests that this variant is likely to be tolerated. In summary, the available evidence is currently insufficient to determine the role of this variant in disease. Therefore, it has been classified as a Variant of Uncertain Significance.

NM_172364.5(CACNA2D4):c.2321G>C (p.Gly774Ala)

Gene: CACNA2D4 (calcium voltage-gated channel auxiliary subunit alpha2delta 4; minus strand). Cytogenetic location: 12p13.33.
Variant type: single nucleotide variant.
Coding change: c.2321G>C on transcript NM_172364.5 (MANE Select); coding-DNA position 2321, G replaced by C.
Protein change: p.Gly774Ala; replaces glycine 774 with alanine.
Molecular consequence: missense variant.
Genome position (GRCh38, 1-based): chr12:1,846,615, C>G on the plus strand (G>C on the coding strand, the complement: CACNA2D4 is on the minus strand). VCF-style: chr12-1846615-C-G. GRCh37 (hg19) VCF-style: chr12-1955781-C-G.
Other names: short protein forms G774A.
Identifiers: ClinVar variation 1003920 (VCV001003920.9), dbSNP rs373327688, ClinGen allele CA6386746.